The following is an entry in ClinVar:

NM_005912.3(MC4R):c.127C>T (p.Gln43Ter)

Gene: MC4R (melanocortin 4 receptor; minus strand). Cytogenetic location: 18q21.32.
Variant type: single nucleotide variant.
Coding change: c.127C>T on transcript NM_005912.3 (MANE Select); coding-DNA position 127, C replaced by T.
Protein change: p.Gln43Ter; replaces glutamine 43 with a stop codon.
Molecular consequence: nonsense.
Genome position (GRCh38, 1-based): chr18:60,372,223, G>A on the plus strand (C>T on the coding strand, the complement: MC4R is on the minus strand). VCF-style: chr18-60372223-G-A. GRCh37 (hg19) VCF-style: chr18-58039456-G-A.
Other names: c.127C>T (NM_005912.2); short protein forms Q43*.
Identifiers: ClinVar variation 4683174 (VCV004683174.2).

ClinVar aggregate classification (germline): Pathogenic/Likely pathogenic. Review status: criteria provided, multiple submitters, no conflicts (2 of 4 stars). 2 submissions from 2 submitters: Pathogenic (1); Likely pathogenic (1). Last evaluated 2026-04-13.

Conditions:
Early onset severe obesity. Identifiers: MedGen C4013980.
MC4R-related disorder. Also called: MC4R-related condition.

Submissions (2):

PreventionGenetics, part of Exact Sciences
Classification: Pathogenic for MC4R-related condition. Last evaluated: 2026-04-13. Review status: criteria provided, single submitter. Criteria: ACMG Guidelines, 2015. Collection method: clinical testing. Allele origin: germline.
Comment: The MC4R c.127C>T variant is predicted to result in premature protein termination (p.Gln43*). This variant has been reported in the heterozygous state in individuals with severe obesity (Buono et al. 2005. PubMed ID: 15951321; Alfieri et al. 2010. PubMed ID: 20214954), and in vitro studies indicate that it constitutes a null allele (Alfieri et al. 2010. PubMed ID: 20214954). This variant is reported in 0.00088% of alleles in individuals of European (Non-Finnish) descent in gnomAD. This variant is classified as pathogenic.

Cambridge Genomics Laboratory, East Genomic Laboratory Hub, NHS Genomic Medicine Service
Classification: Likely pathogenic for Severe early-onset obesity. Last evaluated: 2025-06-27. Review status: criteria provided, single submitter. Criteria: ACGS Best Practice Guidelines for Variant Classification in Rare Disease 2020. Collection method: clinical testing. Allele origin: germline. Affected: yes.
Comment: PVS1_Strong,PS3_Supporting,PS4_Supporting,PM2